The following is an entry in ClinVar:

ClinVar aggregate classification (germline): Uncertain significance (1 of 4 stars; one submission).

Conditions:
Charcot-Marie-Tooth disease, type I (CMT1). Also called: Charcot-Marie-Tooth disease type 1; Charcot-Marie-Tooth, Type 1. Identifiers: Orphanet 65753, MedGen C0751036, MONDO:0019011.

Allele frequency attached by ClinVar (database versions not stated): TOPMed below 0.00001; gnomAD 0.00001.

Submission:

Labcorp Genetics (formerly Invitae), Labcorp
Classification: Uncertain significance for Charcot-Marie-Tooth disease, type I. Last evaluated: 2019-07-22. Review status: criteria provided, single submitter. Criteria: Invitae Variant Classification Sherloc (09022015). Collection method: clinical testing. Allele origin: germline.
Comment: In summary, the available evidence is currently insufficient to determine the role of this variant in disease. Therefore, it has been classified as a Variant of Uncertain Significance. Algorithms developed to predict the effect of missense changes on protein structure and function (SIFT, PolyPhen-2, Align-GVGD) all suggest that this variant is likely to be disruptive, but these predictions have not been confirmed by published functional studies and their clinical significance is uncertain. This variant has not been reported in the literature in individuals with PMP22-related conditions. This variant is not present in population databases (ExAC no frequency). This sequence change replaces tryptophan with cysteine at codon 28 of the PMP22 protein (p.Trp28Cys). The tryptophan residue is highly conserved and there is a large physicochemical difference between tryptophan and cysteine.

NM_000304.4(PMP22):c.84G>C (p.Trp28Cys)

Gene: PMP22 (peripheral myelin protein 22; minus strand). Cytogenetic location: 17p12.
Variant type: single nucleotide variant.
Coding change: c.84G>C on transcript NM_000304.4 (MANE Select); coding-DNA position 84, G replaced by C.
Protein change: p.Trp28Cys; replaces tryptophan 28 with cysteine.
Molecular consequence: missense variant. On other transcripts: non-coding transcript variant (1).
Genome position (GRCh38, 1-based): chr17:15,259,188, C>G on the plus strand (G>C on the coding strand, the complement: PMP22 is on the minus strand). VCF-style: chr17-15259188-C-G. GRCh37 (hg19) VCF-style: chr17-15162505-C-G.
Other names: c.84G>C, p.Trp28Cys (NM_001281455.2, NM_001281456.2, NM_001330143.2 and 2 more transcripts); short protein forms W28C.
Identifiers: ClinVar variation 959927 (VCV000959927.6), dbSNP rs1442525908, ClinGen allele CA398271188.